The following is an entry in ClinVar:

ClinVar aggregate classification (germline): Uncertain significance (1 of 4 stars; one submission).

Allele frequency attached by ClinVar (database versions not stated): gnomAD exomes below 0.00001; gnomAD 0.00001; TOPMed 0.00001.
gnomAD v4.1: 3 of 1,613,922 alleles (0.00019%); highest among the groups gnomAD compares: African/African-American, 0.004%; no homozygotes.

Submission:

Labcorp Genetics (formerly Invitae), Labcorp
Classification: Uncertain significance. Last evaluated: 2021-07-14. Review status: criteria provided, single submitter. Criteria: Invitae Variant Classification Sherloc (09022015). Collection method: clinical testing. Allele origin: germline.
Comment: This sequence change replaces alanine with glycine at codon 149 of the TRAP1 protein (p.Ala149Gly). The alanine residue is weakly conserved and there is a small physicochemical difference between alanine and glycine. This variant is not present in population databases (ExAC no frequency). This variant has not been reported in the literature in individuals affected with TRAP1-related conditions. Algorithms developed to predict the effect of missense changes on protein structure and function (SIFT, PolyPhen-2, Align-GVGD) all suggest that this variant is likely to be tolerated. In summary, the available evidence is currently insufficient to determine the role of this variant in disease. Therefore, it has been classified as a Variant of Uncertain Significance.

NM_016292.3(TRAP1):c.446C>G (p.Ala149Gly)

Gene: TRAP1 (TNF receptor associated protein 1; minus strand). Cytogenetic location: 16p13.3.
Variant type: single nucleotide variant.
Coding change: c.446C>G on transcript NM_016292.3 (MANE Select); coding-DNA position 446, C replaced by G.
Protein change: p.Ala149Gly; replaces alanine 149 with glycine.
Molecular consequence: missense variant.
Genome position (GRCh38, 1-based): chr16:3,686,021, G>C on the plus strand (C>G on the coding strand, the complement: TRAP1 is on the minus strand). VCF-style: chr16-3686021-G-C. GRCh37 (hg19) VCF-style: chr16-3736022-G-C.
Other names: c.287C>G, p.Ala96Gly (NM_001272049.2); short protein forms A149G, A96G.
Identifiers: ClinVar variation 1434716 (VCV001434716.8), dbSNP rs1200133465, ClinGen allele CA394571365.